The following is an entry in ClinVar:

ClinVar aggregate classification (germline): Uncertain significance (1 of 4 stars; one submission).

Submission:

Ambry Genetics
Classification: Uncertain significance. Last evaluated: 2022-10-27. Review status: criteria provided, single submitter. Criteria: Ambry Variant Classification Scheme 2023. Collection method: clinical testing. Allele origin: germline.
Comment: The p.E414Q variant (also known as c.1240G>C), located in coding exon 13 of the NPAT gene, results from a G to C substitution at nucleotide position 1240. The glutamic acid at codon 414 is replaced by glutamine, an amino acid with highly similar properties. This amino acid position is conserved. In addition, this alteration is predicted to be tolerated by in silico analysis. Since supporting evidence is limited at this time, the clinical significance of this alteration remains unclear.

NM_002519.3(NPAT):c.1240G>C (p.Glu414Gln)

Gene: NPAT (nuclear protein, coactivator of histone transcription; minus strand). Cytogenetic location: 11q22.3.
Variant type: single nucleotide variant.
Coding change: c.1240G>C on transcript NM_002519.3 (MANE Select); coding-DNA position 1240, G replaced by C.
Protein change: p.Glu414Gln; replaces glutamic acid 414 with glutamine.
Molecular consequence: missense variant.
Genome position (GRCh38, 1-based): chr11:108,173,744, C>G on the plus strand (G>C on the coding strand, the complement: NPAT is on the minus strand). VCF-style: chr11-108173744-C-G. GRCh37 (hg19) VCF-style: chr11-108044471-C-G.
Other names: c.1240G>C, p.Glu414Gln (NM_001321307.1); short protein forms E414Q.
Identifiers: ClinVar variation 1758312 (VCV001758312.2), dbSNP rs2496722064, ClinGen allele CA382515899.